The following is an entry in ClinVar:

NM_000352.4(ABCC8):c.-72G>A

Gene: ABCC8 (ATP binding cassette subfamily C member 8; minus strand). Cytogenetic location: 11p15.1.
Variant type: single nucleotide variant.
Coding change: c.-72G>A on transcript NM_000352.4; 72 bases upstream of the start codon, G replaced by A.
Genome position (GRCh38, 1-based): chr11:17,476,848, C>T on the plus strand (G>A on the coding strand, the complement: ABCC8 is on the minus strand). VCF-style: chr11-17476848-C-T. GRCh37 (hg19) VCF-style: chr11-17498395-C-T.
Identifiers: ClinVar variation 303791 (VCV000303791.13), dbSNP rs541244107, ClinGen allele CA5904022.

ClinVar aggregate classification (germline): Benign/Likely benign. Review status: criteria provided, multiple submitters, no conflicts (2 of 4 stars). 3 submissions from 3 submitters: Benign (2); Likely benign (1). Last evaluated 2017-07-20.

Conditions:
Maturity-onset diabetes of the young (MODY). Also called: Maturity onset diabetes mellitus in young. Identifiers: Orphanet 552, MedGen C0342276, MONDO:0018911, HP:0004904.

Allele frequency attached by ClinVar (database versions not stated): gnomAD 0.00422 and 0.00426; ExAC 0.00703; 1000 Genomes Project 0.00339; 1000 Genomes Project 30x 0.00344; TOPMed 0.00499; gnomAD exomes 0.01102.

Submissions (3):

Genetic Services Laboratory, University of Chicago
Classification: Benign. Last evaluated: 2017-07-20. Review status: criteria provided, single submitter. Criteria: ACMG Guidelines, 2015. Collection method: clinical testing. Allele origin: germline. Affected: no.

Breakthrough Genomics
Classification: Likely benign. Review status: criteria provided, single submitter. Criteria: ACMG Guidelines, 2015. Collection method: not provided. Allele origin: germline. Inheritance: Autosomal recessive inheritance. Affected: yes.

Clinical Genomics, Uppaluri K&H Personalized Medicine Clinic
Classification: Benign for Maturity-onset diabetes of the young. Review status: criteria provided, single submitter. Criteria: K & H Uppaluri Personalized Medicine Clinic Variant Classification & Assertion Criteria_Updated V.1. Collection method: research. Allele origin: somatic. Inheritance: Autosomal dominant inheritance. Affected: yes.
Comment: Mutations in ABCC8 gene are associated with both neonatal diabetes mellitus as well as MODY. Patients with this mutation may have a response to sulfonylureas. However, no association is found between this particular variant (rs541244107) of ABCC8 gene and MODY yet.

Literature cited by the submitters: PubMed 32333556 (cited by Clinical Genomics, Uppaluri K&H Personalized Medicine Clinic); PubMed 33185579 (cited by Clinical Genomics, Uppaluri K&H Personalized Medicine Clinic); PubMed 16885549 (cited by Clinical Genomics, Uppaluri K&H Personalized Medicine Clinic); PubMed 21989597 (cited by Clinical Genomics, Uppaluri K&H Personalized Medicine Clinic).